The following is an entry in ClinVar:

NM_001164405.2(BHLHA9):c.211A>G (p.Asn71Asp)

Gene: BHLHA9 (basic helix-loop-helix family member a9; plus strand). Cytogenetic location: 17p13.3.
Variant type: single nucleotide variant.
Coding change: c.211A>G on transcript NM_001164405.2 (MANE Select); coding-DNA position 211, A replaced by G.
Protein change: p.Asn71Asp; replaces asparagine 71 with aspartic acid.
Molecular consequence: missense variant.
Genome position (GRCh38, 1-based): chr17:1,270,774, A>G. VCF-style: chr17-1270774-A-G. GRCh37 (hg19) VCF-style: chr17-1174068-A-G.
Other names: short protein forms N71D.
Identifiers: ClinVar variation 162065 (VCV000162065.1), dbSNP rs672601337, ClinGen allele CA211910.
Genomic context (GRCh38, chr17:1,270,774, plus strand): 5'-GAGCCGGCGGGCAGGAGGCGCGCGCGGCCGGTGCGGTCCAAGGCGCGGCGCATGGCCGCC[A>G]ACGTGCGGGAGCGCAAGCGCATCCTAGACTACAACGAGGCCTTCAACGCGCTGCGCCGGG-3'
Protein context (NP_001157877.1, residues 61-81): VRSKARRMAA[Asn71Asp]VRERKRILDY

ClinVar aggregate classification (germline): Pathogenic. Review status: no assertion criteria provided (0 of 4 stars). 2 submissions from 2 submitters: Pathogenic (2). Last evaluated 2014-12-04.

Conditions:
Mesoaxial synostotic syndactyly with phalangeal reduction. Identifiers: Orphanet 157801, MedGen C1836206, MONDO:0012271, OMIM 609432.

Submissions (2):

OMIM
Classification: Pathogenic for SYNDACTYLY, MESOAXIAL SYNOSTOTIC, WITH PHALANGEAL REDUCTION. Last evaluated: 2014-12-04. Review status: no assertion criteria provided. Collection method: literature only. Allele origin: germline.

Human Genetics, Philipps Universitaet Marburg
Classification: Pathogenic for Syndactyly type 9. Last evaluated: 2014-10-16. Review status: no assertion criteria provided. Collection method: research. Allele origin: inherited. Affected: yes.
Comment: Detection and analysis of mutations in BHLHA9 associated with MSSD

Literature cited by the submitters: PubMed 15039974 (cited by OMIM); PubMed 25466284 (cited by OMIM and Human Genetics, Philipps Universitaet Marburg).